The following is an entry in ClinVar:

ClinVar aggregate classification (germline): Conflicting classifications of pathogenicity. Review status: criteria provided, conflicting classifications (1 of 4 stars). 3 submissions from 3 submitters: Uncertain significance (2); Likely benign (1). Last evaluated 2025-09-01.

Conditions:
Early-infantile DEE. Also called: Ohtahara syndrome; Early infantile epileptic encephalopathy with suppression bursts; Early infantile epileptic encephalopathy. Identifiers: Orphanet 1934, MedGen C0393706, MONDO:0800491.
Inborn genetic diseases. Identifiers: MedGen C0950123, MeSH D030342.

Allele frequency attached by ClinVar (database versions not stated): gnomAD 0.00001; ExAC 0.00002; gnomAD exomes 0.00002 and 0.00003; TOPMed 0.00002.
gnomAD v4.1: 39 of 1,613,180 alleles (0.0024%); highest among the groups gnomAD compares: South Asian, 0.011%; no homozygotes.

Submissions (3):

Ambry Genetics
Classification: Likely benign for Inborn genetic diseases. Last evaluated: 2025-09-01. Review status: criteria provided, single submitter. Criteria: Ambry Variant Classification Scheme 2023. Collection method: clinical testing. Allele origin: germline.

Labcorp Genetics (formerly Invitae), Labcorp
Classification: Uncertain significance for Early-infantile DEE. Last evaluated: 2023-12-30. Review status: criteria provided, single submitter. Criteria: Invitae Variant Classification Sherloc (09022015). Collection method: clinical testing. Allele origin: germline.
Comment: This sequence change replaces glycine, which is neutral and non-polar, with serine, which is neutral and polar, at codon 837 of the SCN1A protein (p.Gly837Ser). This variant is present in population databases (rs779561135, gnomAD 0.01%). This variant has not been reported in the literature in individuals affected with SCN1A-related conditions. ClinVar contains an entry for this variant (Variation ID: 1058481). Advanced modeling of protein sequence and biophysical properties (such as structural, functional, and spatial information, amino acid conservation, physicochemical variation, residue mobility, and thermodynamic stability) performed at Invitae indicates that this missense variant is not expected to disrupt SCN1A protein function with a negative predictive value of 95%. In summary, the available evidence is currently insufficient to determine the role of this variant in disease. Therefore, it has been classified as a Variant of Uncertain Significance.

GeneDx
Classification: Uncertain significance. Last evaluated: 2022-11-01. Review status: criteria provided, single submitter. Criteria: GeneDx Variant Classification Process June 2021. Collection method: clinical testing. Allele origin: germline. Affected: yes.
Comment: Missense variants in this gene are often considered pathogenic (HGMD); In silico analysis supports that this missense variant has a deleterious effect on protein structure/function; Has not been previously published as pathogenic or benign to our knowledge; This substitution is predicted to be within the transmembrane segment S3 of the second homologous domain

NM_001165963.4(SCN1A):c.2509G>A (p.Gly837Ser)

Gene: SCN1A (sodium voltage-gated channel alpha subunit 1; minus strand). Cytogenetic location: 2q24.3.
Variant type: single nucleotide variant.
Coding change: c.2509G>A on transcript NM_001165963.4 (MANE Select); coding-DNA position 2509, G replaced by A.
Protein change: p.Gly837Ser; replaces glycine 837 with serine.
Molecular consequence: missense variant. On other transcripts: non-coding transcript variant (1).
Genome position (GRCh38, 1-based): chr2:166,039,503, C>T on the plus strand (G>A on the coding strand, the complement: SCN1A is on the minus strand). VCF-style: chr2-166039503-C-T. GRCh37 (hg19) VCF-style: chr2-166896013-C-T.
Other names: c.2425G>A, p.Gly809Ser (NM_001165964.3, NM_001353957.2, NM_001353958.2); c.2509G>A, p.Gly837Ser (NM_001202435.3, NM_001353948.2); c.2476G>A, p.Gly826Ser (NM_001353949.2, NM_001353950.2, NM_001353951.2 and 2 more transcripts); c.2473G>A, p.Gly825Ser (NM_001353954.2, NM_001353955.2); c.2422G>A, p.Gly808Ser (NM_001353960.2); c.67G>A, p.Gly23Ser (NM_001353961.2); short protein forms G23S, G808S, G809S, G825S, G826S, G837S.
Identifiers: ClinVar variation 1058481 (VCV001058481.15), dbSNP rs779561135, ClinGen allele CA1943100.